The following is an entry in ClinVar:

NM_000059.4(BRCA2):c.5550_5551del (p.Lys1850fs)

Gene: BRCA2 (BRCA2 DNA repair associated; plus strand). Cytogenetic location: 13q13.1.
Variant type: Deletion.
Coding change: c.5550_5551del on transcript NM_000059.4 (MANE Select); coding-DNA positions 5550 to 5551, 2 bases deleted (AA; older notation c.5550_5551delAA).
Protein change: p.Lys1850fs; shifts the reading frame from lysine 1850.
Molecular consequence: frameshift variant.
Genome position (GRCh38, 1-based): chr13:32,339,905-32,339,906, AA deleted; deleting any 2 consecutive bases within chr13:32,339,903-32,339,906 gives the same sequence; the c. name uses the placement nearest the transcript's 3' end. VCF-style (leftmost placement, unchanged base first): chr13-32339902-TAA-T. GRCh37 (hg19) VCF-style: chr13-32914039-TAA-T.
Other names: 5778delAA (Stop 1785); short protein forms K1850fs.
Identifiers: ClinVar variation 266879 (VCV000266879.5), dbSNP rs886040594, ClinGen allele CA10589316.

ClinVar aggregate classification (germline): Pathogenic. Review status: reviewed by expert panel (3 of 4 stars). 2 submissions from 2 submitters: Pathogenic (1). 1 of the submissions does not count toward it. Last evaluated 2016-10-18.

Conditions:
Breast-ovarian cancer, familial, susceptibility to, 2 (BROVCA2). Also called: BRCA2 Hereditary Breast and Ovarian Cancer. Identifiers: Orphanet 145, MedGen C2675520, MONDO:0012933, OMIM 612555. Disease mechanism: loss of function.

Submissions (2):

Evidence-based Network for the Interpretation of Germline Mutant Alleles (ENIGMA)
Classification: Pathogenic for Breast-ovarian cancer, familial, susceptibility to, 2. Last evaluated: 2016-10-18. Review status: reviewed by expert panel. Criteria: ENIGMA BRCA1/2 Classification Criteria (2015). Collection method: curation. Allele origin: germline.
Comment: Variant allele predicted to encode a truncated non-functional protein.

Consortium of Investigators of Modifiers of BRCA1/2 (CIMBA), c/o University of Cambridge
Classification: Pathogenic for Breast-ovarian cancer, familial, susceptibility to, 2. Last evaluated: 2015-10-02. Review status: criteria provided, single submitter. Criteria: CIMBA Mutation Classification guidelines May 2016. Collection method: clinical testing. Allele origin: germline. Not counted in ClinVar's aggregate classification.